The following is an entry in ClinVar:

ClinVar aggregate classification (germline): Uncertain significance (1 of 4 stars; one submission).

Conditions:
Hereditary cancer-predisposing syndrome. Also called: Neoplastic Syndromes, Hereditary; Tumor predisposition; Hereditary Cancer Syndrome; Hereditary neoplastic syndrome. Identifiers: Orphanet 140162, MedGen C0027672, MeSH D009386, MONDO:0015356.

Submission:

Ambry Genetics
Classification: Uncertain significance for Hereditary cancer-predisposing syndrome. Last evaluated: 2026-03-31. Review status: criteria provided, single submitter. Criteria: Ambry Variant Classification Scheme 2023. Collection method: clinical testing. Allele origin: germline.
Comment: The p.V151F variant (also known as c.451G>T), located in coding exon 4 of the SDHA gene, results from a G to T substitution at nucleotide position 451. The valine at codon 151 is replaced by phenylalanine, an amino acid with highly similar properties. This amino acid position is conserved. In addition, this alteration is predicted to be tolerated by in silico analysis. Based on the available evidence, the clinical significance of this variant remains unclear.

NM_004168.4(SDHA):c.451G>T (p.Val151Phe)

Gene: SDHA (succinate dehydrogenase complex flavoprotein subunit A; plus strand). Cytogenetic location: 5p15.33.
Variant type: single nucleotide variant.
Coding change: c.451G>T on transcript NM_004168.4 (MANE Select); coding-DNA position 451, G replaced by T.
Protein change: p.Val151Phe; replaces valine 151 with phenylalanine.
Molecular consequence: missense variant. On other transcripts: intron variant (1).
Genome position (GRCh38, 1-based): chr5:225,557, G>T. VCF-style: chr5-225557-G-T. GRCh37 (hg19) VCF-style: chr5-225672-G-T.
Other names: c.451G>T, p.Val151Phe (NM_001330758.2); c.313-326G>T (NM_001294332.2); short protein forms V151F.
Identifiers: ClinVar variation 4864217 (VCV004864217.1).